The following is an entry in ClinVar:

NM_000313.4(PROS1):c.1424_1425delinsTT (p.Cys475Phe)

Gene: PROS1 (protein S; minus strand). Cytogenetic location: 3q11.1.
Variant type: Indel.
Coding change: c.1424_1425delinsTT on transcript NM_000313.4 (MANE Select); coding-DNA positions 1424 to 1425, GC replaced by TT.
Protein change: p.Cys475Phe; replaces cysteine 475 with phenylalanine.
Molecular consequence: missense variant.
Genome position (GRCh38, 1-based): chr3:93,884,795-93,884,796, GC replaced by AA on the plus strand (GC replaced by TT on the coding strand, the reverse complement: PROS1 is on the minus strand). VCF-style: chr3-93884795-GC-AA. GRCh37 (hg19) VCF-style: chr3-93603639-GC-AA.
Other names: c.1520_1521delinsTT, p.Cys507Phe (NM_001314077.2); short protein forms C475F, C507F.
Identifiers: ClinVar variation 4529451 (VCV004529451.1).

ClinVar aggregate classification (germline): Pathogenic (0 of 4 stars; one submission).

Conditions:
Thrombophilia due to protein S deficiency, autosomal dominant (THPH5). Identifiers: Orphanet 26349, Orphanet 743, MedGen C3278211, MONDO:0012868, OMIM 612336. Disease mechanism: loss of function.

Submission:

Department of Transfusion Medicine and Hemostaseology, University Hospital Erlangen
Classification: Pathogenic for Thrombophilia due to protein S deficiency, autosomal dominant. Last evaluated: 2025-09-01. Review status: no assertion criteria provided. Collection method: clinical testing. Allele origin: germline.
Comment: This variant was identified during a screening of patients with suspected hereditary Protein S deficiency. It has been described in the literature as correlating with protein S deficiency (PMID: 18435454, 28088608) and has been characterized in vitro as causative for Protein S deficiency (PMID: 28088608). No allele frequency is reported in dbSNP. Several in silico variant effect prediction tools (PolyPhen-2, SIFT, AlphaMissense) classify this variant as likely pathogenic. Taken together, we classified this variant as pathogenic.

Literature cited by the submitters: PubMed 18435454; PubMed 28088608.